The following is an entry in ClinVar:

NM_003246.4(THBS1):c.2397A>G (p.Ala799=)

Gene: THBS1 (thrombospondin 1; plus strand). Cytogenetic location: 15q14.
Variant type: single nucleotide variant.
Coding change: c.2397A>G on transcript NM_003246.4 (MANE Select); coding-DNA position 2397, A replaced by G.
Protein change: p.Ala799=; no amino-acid change (alanine 799 retained).
Molecular consequence: synonymous variant.
Genome position (GRCh38, 1-based): chr15:39,591,334, A>G. VCF-style: chr15-39591334-A-G. GRCh37 (hg19) VCF-style: chr15-39883535-A-G.
Identifiers: ClinVar variation 3778360 (VCV003778360.7).

ClinVar aggregate classification (germline): Likely benign (1 of 4 stars; one submission).

gnomAD v4.1: 9 of 1,614,074 alleles (0.00056%); highest among the groups gnomAD compares: East Asian, 0.02%; no homozygotes.

Submission:

CeGaT Center for Human Genetics Tuebingen
Classification: Likely benign. Last evaluated: 2025-03-01. Review status: criteria provided, single submitter. Criteria: CeGaT Center For Human Genetics Tuebingen Variant Classification Criteria Version 2. Collection method: clinical testing. Allele origin: germline. Affected: yes. Observed: 1 variant allele.
Comment: THBS1: BP4, BP7